The following is an entry in ClinVar:

NC_000009.11:g.(?_127255289)_(127267690_?)dup

Gene: NR5A1 (nuclear receptor subfamily 5 group A member 1; minus strand). Cytogenetic location: 9q33.3.
Variant type: Duplication.
Identifiers: ClinVar variation 3245236 (VCV003245236.1).

ClinVar aggregate classification (germline): Uncertain significance (1 of 4 stars; one submission).

Conditions:
46 XY differences of sex development. Also called: 46, XY disorder of sex development (DSD); 46,XY disorder of sex development. Identifiers: Orphanet 98085, MedGen C2751824, MONDO:0020040.
Oligosynaptic infertility (SPGF1). Also called: SPERMATOGENIC FAILURE 1; OLIGOCHIASMATIC INFERTILITY. Identifiers: MedGen C0403810, MONDO:0009776, OMIM 258150.

Submission:

Labcorp Genetics (formerly Invitae), Labcorp
Classification: Uncertain significance for 46 XY differences of sex development; Oligosynaptic infertility. Last evaluated: 2023-10-24. Review status: criteria provided, single submitter. Criteria: Invitae Variant Classification Sherloc (09022015). Collection method: clinical testing. Allele origin: unknown.
Comment: This variant results in a copy number gain of the genomic region encompassing exon(s) 2-5 of the NR5A1 gene. This region includes the initiator codon of the gene. This copy number gain extends beyond the assayed region for this gene and therefore may encompass additional genes. As the precise location of this event is unknown, it may be in tandem or it may be located elsewhere in the genome. This variant has not been reported in the literature in individuals affected with NR5A1-related conditions. In summary, the available evidence is currently insufficient to determine the role of this variant in disease. Therefore, it has been classified as a Variant of Uncertain Significance.